The following is an entry in ClinVar:

NM_001543.5(NDST1):c.168C>T (p.Cys56=)

Gene: NDST1 (N-deacetylase and N-sulfotransferase 1; plus strand). Cytogenetic location: 5q33.1.
Variant type: single nucleotide variant.
Coding change: c.168C>T on transcript NM_001543.5 (MANE Select); coding-DNA position 168, C replaced by T.
Protein change: p.Cys56=; no amino-acid change (cysteine 56 retained).
Molecular consequence: synonymous variant.
Genome position (GRCh38, 1-based): chr5:150,521,422, C>T. VCF-style: chr5-150521422-C-T. GRCh37 (hg19) VCF-style: chr5-149900984-C-T.
Other names: c.168C>T, p.Cys56= (NM_001301063.2).
Identifiers: ClinVar variation 723268 (VCV000723268.23), dbSNP rs150409216, ClinGen allele CA3512341.
Genomic context (GRCh38, chr5:150,521,422, plus strand): 5'-CTACCTATATGGCTGGAAGCGAGGCCTGGAGCCCTCGGCGGATGCCCCCGAGCCTGACTG[C>T]GGGGACCCGCCGCCTGTGGCCCCCAGTCGCCTGCTGCCACTCAAGCCTGTGCAGGCAGCC-3'
Protein context (NP_001534.1, residues 46-66): EPSADAPEPD[Cys56=]GDPPPVAPSR

ClinVar aggregate classification (germline): Likely benign. Review status: criteria provided, multiple submitters, no conflicts (2 of 4 stars). 3 submissions from 3 submitters: Likely benign (3). Last evaluated 2025-03-01.

Allele frequency attached by ClinVar (database versions not stated): gnomAD exomes 0.00017 and 0.00053; gnomAD 0.00034; TOPMed 0.00034; 1000 Genomes Project 30x 0.00047; 1000 Genomes Project 0.00060; ExAC 0.00017; ESP Exome Variant Server 0.00062.
gnomAD v4.1: 801 of 1,612,708 alleles (0.05%); highest among the groups gnomAD compares: Non-Finnish European, 0.064%; no homozygotes.

Submissions (3):

CeGaT Center for Human Genetics Tuebingen
Classification: Likely benign. Last evaluated: 2025-03-01. Review status: criteria provided, single submitter. Criteria: CeGaT Center For Human Genetics Tuebingen Variant Classification Criteria Version 2. Collection method: clinical testing. Allele origin: germline. Affected: yes. Observed: 2 variant alleles.
Comment: NDST1: BP4, BP7

Blueprint Genetics
Classification: Likely benign. Last evaluated: 2024-08-26. Review status: criteria provided, single submitter. Criteria: ACMG Guidelines, 2015. Collection method: clinical testing. Allele origin: germline.

Labcorp Genetics (formerly Invitae), Labcorp
Classification: Likely benign. Last evaluated: 2019-12-31. Review status: criteria provided, single submitter. Criteria: Invitae Variant Classification Sherloc (09022015). Collection method: clinical testing. Allele origin: germline.